The following is an entry in ClinVar:

ClinVar aggregate classification (germline): Benign. Review status: reviewed by expert panel (3 of 4 stars). 7 submissions from 7 submitters: Benign (1). 6 of the submissions do not count toward it. Last evaluated 2019-02-25.

Conditions:
Nonsyndromic genetic hearing loss. Also called: Nonsyndromic hearing loss and deafness; Nonsyndromic genetic deafness; Non-syndromic genetic deafness. Identifiers: Orphanet 87884, MedGen C5680182, MONDO:0019497.
Autosomal dominant nonsyndromic hearing loss 9. Identifiers: Orphanet 90635, MedGen C1832425, MONDO:0011058, OMIM 601369.

Allele frequency attached by ClinVar (database versions not stated): gnomAD exomes 0.00015 and 0.00045; ExAC 0.00051; gnomAD 0.00165 and 0.00176; 1000 Genomes Project 0.00200; 1000 Genomes Project 30x 0.00203; TOPMed 0.00204; ESP Exome Variant Server 0.00231.
gnomAD v4.1: 469 of 1,613,664 alleles (0.029%); highest among the groups gnomAD compares: African/African-American, 0.59%; no homozygotes.

Submissions (7):

ClinGen Hearing Loss Variant Curation Expert Panel
Classification: Benign for Nonsyndromic genetic hearing loss. Last evaluated: 2019-02-25. Review status: reviewed by expert panel. Criteria: ClinGen HL ACMG Specifications v1. Collection method: curation. Allele origin: germline. Inheritance: Autosomal dominant inheritance.
Comment: The filtering allele frequency of the c.841G>A (p.Asp281Asn) variant in the COCH gene is 0.5% for African chromosomes by gnomAD (145/24032 with 95% CI), which is a high enough frequency to be classified as benign based on thresholds defined by the ClinGen Hearing Loss Expert Panel for autosomal dominant hearing loss variants (BA1).

Labcorp Genetics (formerly Invitae), Labcorp
Classification: Benign. Last evaluated: 2025-10-31. Review status: criteria provided, single submitter. Criteria: Invitae Variant Classification Sherloc (09022015). Collection method: clinical testing. Allele origin: germline. Not counted in ClinVar's aggregate classification.

Blueprint Genetics
Classification: Likely benign. Last evaluated: 2023-03-15. Review status: criteria provided, single submitter. Criteria: ACMG Guidelines, 2015. Collection method: clinical testing. Allele origin: germline. Not counted in ClinVar's aggregate classification.

GeneDx
Classification: Benign. Last evaluated: 2019-01-15. Review status: criteria provided, single submitter. Criteria: GeneDx Variant Classification Process June 2021. Collection method: clinical testing. Allele origin: germline. Affected: yes. Not counted in ClinVar's aggregate classification.

Illumina Laboratory Services, Illumina
Classification: Likely benign for Autosomal dominant nonsyndromic hearing loss 9. Last evaluated: 2018-01-12. Review status: criteria provided, single submitter. Criteria: ICSL Variant Classification Criteria 13 December 2019. Collection method: clinical testing. Allele origin: germline. Not counted in ClinVar's aggregate classification.
Comment: This variant was observed in the ICSL laboratory as part of a predisposition screen in an ostensibly healthy population. It had not been previously curated by ICSL or reported in the Human Gene Mutation Database (HGMD: prior to June 1st, 2018), and was therefore a candidate for classification through an automated scoring system. Utilizing variant allele frequency, disease prevalence and penetrance estimates, and inheritance mode, an automated score was calculated to assess if this variant is too frequent to cause the disease. Based on the score and internal cut-off values, a variant classified as likely benign is not then subjected to further curation. The score for this variant resulted in a classification of likely benign for this disease.

ARUP Laboratories, Molecular Genetics and Genomics, ARUP Laboratories
Classification: Likely benign. Last evaluated: 2017-10-03. Review status: criteria provided, single submitter. Criteria: ARUP Molecular Germline Variant Investigation Process. Collection method: clinical testing. Allele origin: germline. Not counted in ClinVar's aggregate classification.
Comment: The c.841G>A; p.Asp281Asn variant (rs28362775) has not been reported in the medical literature, gene specific variation databases, nor has it been previously identified by our laboratory. This variant is listed in the Genome Aggregation Database (gnomAD) with a frequency of 0.6 percent in the African population (identified on 145 out of 24,032 chromosomes), and has been reported to the ClinVar database (Variation ID: 226529). The aspartic acid at position 281 is moderately conserved across 12 species (Alamut v2.9.0) and computational analyses of the effects of the p.Asp281Asn variant on protein structure and function indicate a neutral effect (SIFT: tolerated, Align GVGD: C0, PolyPhen-2: benign). Based on these observations the p.Asp281Asn is likely to be benign.

Laboratory for Molecular Medicine, Mass General Brigham Personalized Medicine
Classification: Benign. Last evaluated: 2012-05-07. Review status: criteria provided, single submitter. Criteria: LMM Criteria. Collection method: clinical testing. Allele origin: germline. Observed: 4 variant alleles. Not counted in ClinVar's aggregate classification.
Comment: Asp281Asn in Exon 10 of COCH: This variant is not expected to have clinical sign ificance because it has been identified in 0.7% (25/3738) of African American ch romosomes from a broad population by the NHLBI Exome Sequencing Project (dbSNP rs28362775).

NM_004086.3(COCH):c.841G>A (p.Asp281Asn)

Genes: COCH (cochlin; plus strand), COCH-AS1 (COCH antisense RNA 1; minus strand). Cytogenetic location: 14q12.
Variant type: single nucleotide variant.
Coding change: c.841G>A on transcript NM_004086.3 (MANE Select); coding-DNA position 841, G replaced by A.
Protein change: p.Asp281Asn; replaces aspartic acid 281 with asparagine.
Molecular consequence: missense variant. On other transcripts: non-coding transcript variant (1).
Genome position (GRCh38, 1-based): chr14:30,885,501, G>A. VCF-style: chr14-30885501-G-A. GRCh37 (hg19) VCF-style: chr14-31354707-G-A.
Other names: NM_004086.2(COCH):c.841G>A; c.841G>A, p.Asp281Asn (NM_001135058.2); c.1036G>A, p.Asp346Asn (NM_001347720.2); short protein forms D281N, D346N.
Identifiers: ClinVar variation 226529 (VCV000226529.27), dbSNP rs28362775, ClinGen allele CA7143202.